The following is an entry in ClinVar:

ClinVar aggregate classification (germline): Uncertain significance. Review status: criteria provided, multiple submitters, no conflicts (2 of 4 stars). 2 submissions from 2 submitters: Uncertain significance (2). Last evaluated 2023-12-28.

Conditions:
Inborn genetic diseases. Identifiers: MedGen C0950123, MeSH D030342.

Allele frequency attached by ClinVar (database versions not stated): gnomAD 0.00002; gnomAD exomes 0.00001; ExAC 0.00002.

Submissions (2):

Ambry Genetics
Classification: Uncertain significance for Inborn genetic diseases. Last evaluated: 2023-12-28. Review status: criteria provided, single submitter. Criteria: Ambry Variant Classification Scheme 2023. Collection method: clinical testing. Allele origin: germline.

Labcorp Genetics (formerly Invitae), Labcorp
Classification: Uncertain significance. Last evaluated: 2022-07-11. Review status: criteria provided, single submitter. Criteria: Invitae Variant Classification Sherloc (09022015). Collection method: clinical testing. Allele origin: germline.
Comment: In summary, the available evidence is currently insufficient to determine the role of this variant in disease. Therefore, it has been classified as a Variant of Uncertain Significance. Algorithms developed to predict the effect of missense changes on protein structure and function are either unavailable or do not agree on the potential impact of this missense change (SIFT: "Deleterious"; PolyPhen-2: "Benign"; Align-GVGD: "Class C0"). ClinVar contains an entry for this variant (Variation ID: 1413610). This variant has not been reported in the literature in individuals affected with GPR179-related conditions. This variant is present in population databases (rs751732571, gnomAD 0.003%). This sequence change replaces serine, which is neutral and polar, with phenylalanine, which is neutral and non-polar, at codon 1773 of the GPR179 protein (p.Ser1773Phe).

NM_001004334.4(GPR179):c.5318C>T (p.Ser1773Phe)

Gene: GPR179 (G protein-coupled receptor 179; minus strand). Cytogenetic location: 17q12.
Variant type: single nucleotide variant.
Coding change: c.5318C>T on transcript NM_001004334.4 (MANE Select); coding-DNA position 5318, C replaced by T.
Protein change: p.Ser1773Phe; replaces serine 1773 with phenylalanine.
Molecular consequence: missense variant.
Genome position (GRCh38, 1-based): chr17:38,328,251, G>A on the plus strand (C>T on the coding strand, the complement: GPR179 is on the minus strand). VCF-style: chr17-38328251-G-A. GRCh37 (hg19) VCF-style: chr17-36484134-G-A.
Other names: c.5318C>T (NM_001004334.2); short protein forms S1773F.
Identifiers: ClinVar variation 1413610 (VCV001413610.5), dbSNP rs751732571, ClinGen allele CA290103632.